The following is an entry in ClinVar:

NM_001378615.1(CC2D2A):c.1465C>A (p.Arg489=)

Genes: CC2D2A (coiled-coil and C2 domain containing 2A; plus strand), FBXL5 (F-box and leucine rich repeat protein 5; minus strand). Cytogenetic location: 4p15.32.
Variant type: single nucleotide variant.
Coding change: c.1465C>A on transcript NM_001378615.1 (MANE Select); coding-DNA position 1465, C replaced by A.
Protein change: p.Arg489=; no amino-acid change (arginine 489 retained).
Molecular consequence: synonymous variant.
Genome position (GRCh38, 1-based): chr4:15,528,725, C>A. VCF-style: chr4-15528725-C-A. GRCh37 (hg19) VCF-style: chr4-15530348-C-A.
Other names: c.1465C>A, p.Arg489= (NM_001080522.2); c.1318C>A, p.Arg440= (NM_001378617.1).
Identifiers: ClinVar variation 1503605 (VCV001503605.4), dbSNP rs145678228, ClinGen allele CA2863673.

ClinVar aggregate classification (germline): Conflicting classifications of pathogenicity. Review status: criteria provided, conflicting classifications (1 of 4 stars). 2 submissions from 2 submitters: Uncertain significance (1); Likely benign (1). Last evaluated 2025-06-19.

Conditions:
CC2D2A-related disorder. Also called: CC2D2A-related disorders; CC2D2A-related condition. Identifiers: MedGen CN239313.
Joubert syndrome. Also called: JOUBERT-BOLTSHAUSER SYNDROME; Familial aplasia of the vermis. Identifiers: Orphanet 475, MedGen C5979921, MONDO:0018772.
Meckel-Gruber syndrome. Also called: DYSENCEPHALIA SPLANCHNOCYSTICA; GRUBER SYNDROME; Dysencephalia splachnocystica. Identifiers: Orphanet 564, MedGen C0265215, MONDO:0018921.

Allele frequency attached by ClinVar (database versions not stated): TOPMed 0.00001; ESP Exome Variant Server 0.00008.
gnomAD v4.1: 71 of 1,594,874 alleles (0.0045%); highest among the groups gnomAD compares: Non-Finnish European, 0.0059%; no homozygotes.

Submissions (2):

PreventionGenetics, part of Exact Sciences
Classification: Likely benign for CC2D2A-related condition. Last evaluated: 2025-06-19. Review status: criteria provided, single submitter. Criteria: ACMG Guidelines, 2015. Collection method: clinical testing. Allele origin: germline.
Comment: This variant is classified as likely benign based on ACMG/AMP sequence variant interpretation guidelines (Richards et al. 2015 PMID: 25741868, with internal and published modifications).

Labcorp Genetics (formerly Invitae), Labcorp
Classification: Uncertain significance for Joubert syndrome; Meckel-Gruber syndrome. Last evaluated: 2022-07-12. Review status: criteria provided, single submitter. Criteria: Invitae Variant Classification Sherloc (09022015). Collection method: clinical testing. Allele origin: germline.
Comment: This sequence change affects codon 489 of the CC2D2A mRNA. It is a 'silent' change, meaning that it does not change the encoded amino acid sequence of the CC2D2A protein. It affects a nucleotide within the consensus splice site. This variant is present in population databases (rs145678228, gnomAD 0.009%). This variant has not been reported in the literature in individuals affected with CC2D2A-related conditions. ClinVar contains an entry for this variant (Variation ID: 1503605). Algorithms developed to predict the effect of sequence changes on RNA splicing suggest that this variant is not likely to affect RNA splicing. In summary, the available evidence is currently insufficient to determine the role of this variant in disease. Therefore, it has been classified as a Variant of Uncertain Significance.